The following is an entry in ClinVar:

ClinVar aggregate classification (germline): Uncertain significance (1 of 4 stars; one submission).

Allele frequency attached by ClinVar (database versions not stated): gnomAD exomes below 0.00001; TOPMed below 0.00001.
gnomAD v4.1: 1 of 1,613,972 alleles (0.000062%); highest among the groups gnomAD compares: African/African-American, 0.0013%; no homozygotes.

Submission:

Labcorp Genetics (formerly Invitae), Labcorp
Classification: Uncertain significance. Last evaluated: 2022-07-25. Review status: criteria provided, single submitter. Criteria: Invitae Variant Classification Sherloc (09022015). Collection method: clinical testing. Allele origin: germline.
Comment: This variant has not been reported in the literature in individuals affected with NFKB1-related conditions. This variant is not present in population databases (gnomAD no frequency). This sequence change replaces histidine, which is basic and polar, with glutamine, which is neutral and polar, at codon 647 of the NFKB1 protein (p.His647Gln). In summary, the available evidence is currently insufficient to determine the role of this variant in disease. Therefore, it has been classified as a Variant of Uncertain Significance. Algorithms developed to predict the effect of missense changes on protein structure and function output the following: SIFT: "Tolerated"; PolyPhen-2: "Benign"; Align-GVGD: "Class C0". The glutamine amino acid residue is found in multiple mammalian species, which suggests that this missense change does not adversely affect protein function. ClinVar contains an entry for this variant (Variation ID: 1417136).

NM_003998.4(NFKB1):c.1941C>A (p.His647Gln)

Gene: NFKB1 (nuclear factor kappa B subunit 1; plus strand). Cytogenetic location: 4q24.
Variant type: single nucleotide variant.
Coding change: c.1941C>A on transcript NM_003998.4 (MANE Select); coding-DNA position 1941, C replaced by A.
Protein change: p.His647Gln; replaces histidine 647 with glutamine.
Molecular consequence: missense variant.
Genome position (GRCh38, 1-based): chr4:102,606,684, C>A. VCF-style: chr4-102606684-C-A. GRCh37 (hg19) VCF-style: chr4-103527841-C-A.
Other names: c.1938C>A, p.His646Gln (NM_001165412.2, NM_001319226.2, NM_001382627.1); c.1941C>A, p.His647Gln (NM_001382625.1, NM_001382626.1); c.1899C>A, p.His633Gln (NM_001382628.1); short protein forms H646Q, H647Q, H633Q.
Identifiers: ClinVar variation 1417136 (VCV001417136.6), dbSNP rs1727768041, ClinGen allele CA357752231.